The following is an entry in ClinVar:

NM_001844.5(COL2A1):c.1169G>A (p.Gly390Asp)

Gene: COL2A1 (collagen type II alpha 1 chain; minus strand). Cytogenetic location: 12q13.11.
Variant type: single nucleotide variant.
Coding change: c.1169G>A on transcript NM_001844.5 (MANE Select); coding-DNA position 1169, G replaced by A.
Protein change: p.Gly390Asp; replaces glycine 390 with aspartic acid.
Molecular consequence: missense variant.
Genome position (GRCh38, 1-based): chr12:47,987,663, C>T on the plus strand (G>A on the coding strand, the complement: COL2A1 is on the minus strand). VCF-style: chr12-47987663-C-T. GRCh37 (hg19) VCF-style: chr12-48381446-C-T.
Other names: p.Gly390Pro; c.962G>A, p.Gly321Asp (NM_033150.3); short protein forms G321D, G390D.
Identifiers: ClinVar variation 4056812 (VCV004056812.2).

ClinVar aggregate classification (germline): Likely pathogenic. Review status: criteria provided, multiple submitters, no conflicts (2 of 4 stars). 2 submissions from 2 submitters: Likely pathogenic (2). Last evaluated 2025-07-07.

Conditions:
Platyspondylic dysplasia, Torrance type (PLSDT). Identifiers: Orphanet 85166, MedGen C1835437, MONDO:0007895, OMIM 151210.
COL2A1-related disorder. Also called: COL2A1-related condition; COL2A1-related disorders.

Submissions (2):

Department of Molecular Genetics, Istishari Arab Hospital
Classification: Likely pathogenic for Platyspondylic dysplasia, Torrance type. Last evaluated: 2025-07-07. Review status: criteria provided, single submitter. Criteria: ACMG Guidelines, 2015. Collection method: clinical testing. Allele origin: unknown. Inheritance: Autosomal dominant inheritance. Affected: yes.
Comment: The COL2A1 variant c.1169G>A creates a change in the amino acid from Gly to Asp at position 390. The variant is located in a mutational hot spot and/or well-established functional domain in which established pathogenic variants have been reported (PMID: 26626311). In silico tool predictions suggest damaging effect of the variant on gene or gene product (Revel: Deleterious (Strong) (0.98); AlphaMissense: Deleterious (Strong) (0.997)). A different missense change at the same codon (p.Gly390Val) has been reported to be associated with COL2A1-related disorder. To the best of our knowledge, this variant was not previously reported in literature. It is classified as likely pathogenic according to the recommendations of ACMG/AMP/ClinGen SVI guidelines.

3billion
Classification: Likely pathogenic for COL2A1-related disorder. Last evaluated: 2025-06-25. Review status: criteria provided, single submitter. Criteria: ACMG Guidelines, 2015. Collection method: clinical testing. Allele origin: germline. Affected: yes.
Comment: The variant is not observed in the gnomAD v4.1.0 dataset. Predicted Consequence/Location: The variant is located in a mutational hot spot and/or well-established functional domain in which established pathogenic variants have been reported (PMID: 26626311). In silico tool predictions suggest damaging effect of the variant on gene or gene product [REVEL: 0.98 (>=0.6, sensitivity 0.68 and specificity 0.92); 3Cnet: 0.99 (> 0.75, sensitivity 0.96 and precision 0.92)]. A different missense change at the same codon (p.Gly390Val) has been reported to be associated with COL2A1-related disorder (ClinVar ID: VCV001330682). Therefore, this variant is classified as Likely pathogenic according to the recommendation of ACMG/AMP guideline.